The following is an entry in ClinVar:

NM_182925.5(FLT4):c.2498A>C (p.Tyr833Ser)

Genes: FLT4 (fms related receptor tyrosine kinase 4; minus strand), LOC126807632 (CDK7 strongly-dependent group 2 enhancer GRCh37_chr5:180046831-180048030; plus strand). Cytogenetic location: 5q35.3.
Variant type: single nucleotide variant.
Coding change: c.2498A>C on transcript NM_182925.5 (MANE Select); coding-DNA position 2498, A replaced by C.
Protein change: p.Tyr833Ser; replaces tyrosine 833 with serine.
Molecular consequence: missense variant.
Genome position (GRCh38, 1-based): chr5:180,620,217, T>G on the plus strand (A>C on the coding strand, the complement: FLT4 is on the minus strand). VCF-style: chr5-180620217-T-G. GRCh37 (hg19) VCF-style: chr5-180047217-T-G.
Other names: KM484814; c.2498A>C, p.Tyr833Ser (NM_001354989.2, NM_002020.5); short protein forms Y833S.
Identifiers: ClinVar variation 204345 (VCV000204345.3), dbSNP rs796052102, ClinGen allele CA251280.

ClinVar aggregate classification (germline): Uncertain significance (0 of 4 stars; one submission).

Conditions:
Carcinoma of colon (CRC). Also called: Colonic carcinoma; Colon carcinoma. Identifiers: MedGen C0699790, MONDO:0002032.

Submission:

Immunobiology Lab; University of Kashmir
Classification: Uncertain significance for Carcinoma of colon. Last evaluated: 2015-01-24. Review status: no assertion criteria provided. Collection method: case-control. Allele origin: somatic. Affected: yes. Study: Mutational Hotspot profiling of Tyrosine Kinase domain of VEGF receptors in Human colorectal tumors.
Comment: The variation(s) were confirmed by double pass sequencing of PCR products amplified from genomic DNA of colonic lesions fron colorectal patients